The following is an entry in ClinVar:

NM_006031.6(PCNT):c.8712G>A (p.Ala2904=)

Gene: PCNT (pericentrin; plus strand). Cytogenetic location: 21q22.3.
Variant type: single nucleotide variant.
Coding change: c.8712G>A on transcript NM_006031.6 (MANE Select); coding-DNA position 8712, G replaced by A.
Protein change: p.Ala2904=; no amino-acid change (alanine 2904 retained).
Molecular consequence: synonymous variant. On other transcripts: intron variant (1).
Genome position (GRCh38, 1-based): chr21:46,432,176, G>A. VCF-style: chr21-46432176-G-A. GRCh37 (hg19) VCF-style: chr21-47852090-G-A.
Other names: c.8160+198G>A (NM_001315529.2); c.8712G>A (NM_006031.5).
Identifiers: ClinVar variation 1544544 (VCV001544544.10), dbSNP rs767301271, ClinGen allele CA10081037.
Genomic context (GRCh38, chr21:46,432,176, plus strand): 5'-GCAAGAAGGACGCAAGGCTGCGAGGAGGAGCGCGGAGGCCAGGCAGAGCCCAGCGGCTGC[G>A]GAGCAGTGGAGGAAGTGGCAGAGAGACAAGGAGAAGCTGGTGAGAGCCGCCTGCCGGCGG-3'
Protein context (NP_006022.3, residues 2894-2914): SAEARQSPAA[Ala2904=]EQWRKWQRDK

ClinVar aggregate classification (germline): Likely benign. Review status: criteria provided, single submitter (1 of 4 stars). 2 submissions from 2 submitters: Likely benign (1). 1 of the submissions does not count toward it. Last evaluated 2024-02-11.

Conditions:
PCNT-related disorder. Also called: PCNT-related condition.

Allele frequency attached by ClinVar (database versions not stated): gnomAD exomes 0.00002; TOPMed 0.00002; ExAC 0.00001; gnomAD 0.00001.
gnomAD v4.1: 29 of 1,612,684 alleles (0.0018%); highest among the groups gnomAD compares: Admixed American, 0.005%; no homozygotes.

Submissions (2):

Labcorp Genetics (formerly Invitae), Labcorp
Classification: Likely benign. Last evaluated: 2024-02-11. Review status: criteria provided, single submitter. Criteria: Invitae Variant Classification Sherloc (09022015). Collection method: clinical testing. Allele origin: germline.

PreventionGenetics, part of Exact Sciences
Classification: Likely benign for PCNT-related condition. Last evaluated: 2023-05-02. Review status: no assertion criteria provided. Collection method: clinical testing. Allele origin: germline. Not counted in ClinVar's aggregate classification.
Comment: This variant is classified as likely benign based on ACMG/AMP sequence variant interpretation guidelines (Richards et al. 2015 PMID: 25741868, with internal and published modifications).